The following is an entry in ClinVar:

NM_018060.4(IARS2):c.275G>A (p.Gly92Glu)

Gene: IARS2 (isoleucyl-tRNA synthetase 2, mitochondrial; plus strand). Cytogenetic location: 1q41.
Variant type: single nucleotide variant.
Coding change: c.275G>A on transcript NM_018060.4 (MANE Select); coding-DNA position 275, G replaced by A.
Protein change: p.Gly92Glu; replaces glycine 92 with glutamic acid.
Molecular consequence: missense variant.
Genome position (GRCh38, 1-based): chr1:220,096,111, G>A. VCF-style: chr1-220096111-G-A. GRCh37 (hg19) VCF-style: chr1-220269453-G-A.
Other names: short protein forms G92E.
Identifiers: ClinVar variation 1997098 (VCV001997098.4), dbSNP rs1166672621, ClinGen allele CA344620199.
Genomic context (GRCh38, chr1:220,096,111, plus strand): 5'-TCAGGAGTATGTATTTATATGATGTTTAGATATCTTTTTTTTTTTTAAAACAGAAATGTG[G>A]ATTTTCAGAACTTTATTCATGGCAAAGAGAAAGAAAAGTAAAGACAGAATTTTGCCTTCA-3'
Protein context (NP_060530.3, residues 82-102): DTELEIQQKC[Gly92Glu]FSELYSWQRE

ClinVar aggregate classification (germline): Uncertain significance (1 of 4 stars; one submission).

gnomAD v4.1: 3 of 1,455,896 alleles (0.00021%); highest among the groups gnomAD compares: Non-Finnish European, 0.00028%; no homozygotes.

Submission:

Labcorp Genetics (formerly Invitae), Labcorp
Classification: Uncertain significance. Last evaluated: 2022-06-01. Review status: criteria provided, single submitter. Criteria: Invitae Variant Classification Sherloc (09022015). Collection method: clinical testing. Allele origin: germline.
Comment: This sequence change replaces glycine, which is neutral and non-polar, with glutamic acid, which is acidic and polar, at codon 92 of the IARS2 protein (p.Gly92Glu). This variant is not present in population databases (gnomAD no frequency). This variant has not been reported in the literature in individuals affected with IARS2-related conditions. Algorithms developed to predict the effect of missense changes on protein structure and function are either unavailable or do not agree on the potential impact of this missense change (SIFT: "Tolerated"; PolyPhen-2: "Probably Damaging"; Align-GVGD: "Class C0"). In summary, the available evidence is currently insufficient to determine the role of this variant in disease. Therefore, it has been classified as a Variant of Uncertain Significance.